The following is an entry in ClinVar:

ClinVar aggregate classification (germline): Uncertain significance (1 of 4 stars; one submission).

Conditions:
Developmental and epileptic encephalopathy, 31A. Also called: Developmental and epileptic encephalopathy, 31; Epileptic encephalopathy, early infantile, 31. Identifiers: Orphanet 2382, MedGen C4225357, MONDO:0014598, OMIM 616346.

Allele frequency attached by ClinVar (database versions not stated): gnomAD exomes below 0.00001.
gnomAD v4.1: 2 of 1,614,198 alleles (0.00012%); highest among the groups gnomAD compares: Non-Finnish European, 0.00017%; no homozygotes.

Submission:

Illumina Laboratory Services, Illumina
Classification: Uncertain significance for Developmental and epileptic encephalopathy, 31A. Last evaluated: 2021-09-29. Review status: criteria provided, single submitter. Criteria: ICSLVariantClassificationCriteria RUGD 01 April 2020. Collection method: clinical testing. Allele origin: unknown.
Comment: The DNM1 c.944A>G (p.Lys315Arg) variant is a missense variant. A literature search was performed for the gene, cDNA change, and amino acid change. No publications were found based on this search. This variant is reported at a frequency of 0.000009 in the European (non-Finnish) population of the Genome Aggregation Database (version 2.1.1), though this is based on one allele in a region of good sequence coverage so the variant is presumed to be rare. Based on the available evidence, the p.Lys315Arg variant is classified as a variant of uncertain significance for DNM1-related developmental and epileptic encephalopathy.

NM_004408.4(DNM1):c.944A>G (p.Lys315Arg)

Gene: DNM1 (dynamin 1; plus strand). Cytogenetic location: 9q34.11.
Variant type: single nucleotide variant.
Coding change: c.944A>G on transcript NM_004408.4 (MANE Select); coding-DNA position 944, A replaced by G.
Protein change: p.Lys315Arg; replaces lysine 315 with arginine.
Molecular consequence: missense variant.
Genome position (GRCh38, 1-based): chr9:128,222,291, A>G. VCF-style: chr9-128222291-A-G. GRCh37 (hg19) VCF-style: chr9-130984570-A-G.
Other names: c.944A>G, p.Lys315Arg (NM_001005336.3, NM_001288737.2, NM_001288738.2 and 2 more transcripts); short protein forms K315R.
Identifiers: ClinVar variation 1328185 (VCV001328185.4), dbSNP rs1564332523, ClinGen allele CA375015347.
Genomic context (GRCh38, chr9:128,222,291, plus strand): 5'-GGCTGCGGAACAAGCTGCAGAGCCAGCTACTGTCCATTGAGAAGGAGGTGGAGGAATACA[A>G]GAACTTCCGCCCTGATGACCCAGCTCGCAAGACCAAGGCCCTGCTGCAGTGAGGCTCCCC-3'
Protein context (NP_004399.2, residues 305-325): LSIEKEVEEY[Lys315Arg]NFRPDDPARK